The following is an entry in ClinVar:

NM_001848.3(COL6A1):c.667G>A (p.Asp223Asn)

Gene: COL6A1 (collagen type VI alpha 1 chain; plus strand). Cytogenetic location: 21q22.3.
Variant type: single nucleotide variant.
Coding change: c.667G>A on transcript NM_001848.3 (MANE Select); coding-DNA position 667, G replaced by A.
Protein change: p.Asp223Asn; replaces aspartic acid 223 with asparagine.
Molecular consequence: missense variant.
Genome position (GRCh38, 1-based): chr21:45,987,022, G>A. VCF-style: chr21-45987022-G-A. GRCh37 (hg19) VCF-style: chr21-47406936-G-A.
Other names: short protein forms D223N.
Identifiers: ClinVar variation 285060 (VCV000285060.18), dbSNP rs199842980, ClinGen allele CA10069647.

ClinVar aggregate classification (germline): Conflicting classifications of pathogenicity. Review status: criteria provided, conflicting classifications (1 of 4 stars). 5 submissions from 5 submitters: Uncertain significance (4); Benign (1). Last evaluated 2025-09-10.

Conditions:
Ullrich congenital muscular dystrophy 1A. Also called: Intermediate COL6-RD; Ullrich congenital muscular dystrophy 1. Identifiers: Orphanet 75840, MedGen C0410179, MONDO:0009681, OMIM 254090.
Bethlem myopathy 1A. Also called: Bethlem Muscular Dystrophy; MYOPATHY, BENIGN CONGENITAL, WITH CONTRACTURES; Bethlem myopathy 1. Identifiers: Orphanet 610, MedGen CN029274, MONDO:0024530, OMIM 158810.

Allele frequency attached by ClinVar (database versions not stated): gnomAD 0.00005 and 0.00004; TOPMed 0.00006; gnomAD exomes 0.00008 and 0.00013; 1000 Genomes Project 30x 0.00016; ExAC below 0.00001.
gnomAD v4.1: 183 of 1,551,448 alleles (0.012%); highest among the groups gnomAD compares: East Asian, 0.12%; no homozygotes.

Submissions (5):

Labcorp Genetics (formerly Invitae), Labcorp
Classification: Benign for Bethlem myopathy 1A. Last evaluated: 2025-09-10. Review status: criteria provided, single submitter. Criteria: Invitae Variant Classification Sherloc (09022015). Collection method: clinical testing. Allele origin: germline.

Revvity Omics, Revvity
Classification: Uncertain significance. Last evaluated: 2020-01-28. Review status: criteria provided, single submitter. Criteria: ACMG Guidelines, 2015. Collection method: clinical testing. Allele origin: germline.

Women's Health and Genetics/Laboratory Corporation of America, LabCorp
Classification: Uncertain significance. Last evaluated: 2019-10-01. Review status: criteria provided, single submitter. Criteria: LabCorp Variant Classification Summary - May 2015. Collection method: clinical testing. Allele origin: germline.
Comment: Variant summary: COL6A1 c.667G>A (p.Asp223Asn) results in a conservative amino acid change located in the von Willebrand factor, type A domain (IPR002035) of the encoded protein sequence. Four of five in-silico tools predict a benign effect of the variant on protein function. The variant allele was found at a frequency of 7.7e-05 in 155602 control chromosomes (gnomAD). The observed variant frequency is approximately 162-folds over the estimated maximal expected allele frequency for a pathogenic variant in COL6A1 causing Collagen Type VI-Related Disorders phenotype (4.8e-07). However, the frequency within the gnomAD cohort needs to be cautiously considered due to the cohort harboring individuals that could present with a COL6A1 phenotype since the age of onset of the syndromes associated with COL6A1 does vary. c.667G>A has been reported in the literature in individuals affected with suspected-LGMD with limited available information (ie, lack of co-occurrence and cosegregation data)(Nallamilli_2018). This report does not provide an unequivocal conclusion about association of the variant with Collagen Type VI-Related Disorders. To our knowledge, no experimental evidence demonstrating an impact on protein function has been reported. Two ClinVar submissions (evaluation after 2014) cite the variant as uncertain significance. Based on the evidence outlined above, the variant was classified as VUS - possibly benign.

GeneDx
Classification: Uncertain significance. Last evaluated: 2017-05-22. Review status: criteria provided, single submitter. Criteria: GeneDx Variant Classification (06012015). Collection method: clinical testing. Allele origin: germline. Affected: yes.
Comment: A variant of uncertain significance has been identified in the COL6A1 gene. The D223N variant has not been published as a pathogenic variant, nor has it been reported as a benign variant to our knowledge. The D223N variant is not observed in large population cohorts (Lek et al., 2016; 1000 Genomes Consortium et al., 2015; Exome Variant Server). The D223N variant is a semi-conservative amino acid substitution, which may impact secondary protein structure as these residues differ in some properties. However, this substitution occurs at a position that is not conserved. In silico analysis is inconsistent in its predictions as to whether or not the variant is damaging to the protein structure/function. Therefore, based on the currently available information, it is unclear whether this variant is a pathogenic variant or a rare benign variant.

Eurofins Ntd Llc (ga)
Classification: Uncertain significance. Last evaluated: 2016-11-22. Review status: criteria provided, single submitter. Criteria: EGL Classification Definitions 2015. Collection method: clinical testing. Allele origin: germline. Observed: 2 variant alleles, 2 heterozygotes.

Literature cited by the submitters: PubMed 30564623 (cited by Women's Health and Genetics/Laboratory Corporation of America, LabCorp).